The following is an entry in ClinVar:

ClinVar aggregate classification (germline): Likely benign (1 of 4 stars; one submission).

Submission:

CeGaT Center for Human Genetics Tuebingen
Classification: Likely benign. Last evaluated: 2022-10-01. Review status: criteria provided, single submitter. Criteria: CeGaT Center For Human Genetics Tuebingen Variant Classification Criteria Version 2. Collection method: clinical testing. Allele origin: germline. Affected: yes. Observed: 1 variant allele.
Comment: ZNF736: PM2:Supporting, BP4, BP7

NM_001170905.3(ZNF736):c.777T>C (p.Cys259=)

Gene: ZNF736 (zinc finger protein 736; plus strand). Cytogenetic location: 7q11.21.
Variant type: single nucleotide variant.
Coding change: c.777T>C on transcript NM_001170905.3 (MANE Select); coding-DNA position 777, T replaced by C.
Protein change: p.Cys259=; no amino-acid change (cysteine 259 retained).
Molecular consequence: synonymous variant.
Genome position (GRCh38, 1-based): chr7:64,348,640, T>C. VCF-style: chr7-64348640-T-C. GRCh37 (hg19) VCF-style: chr7-63809018-T-C.
Identifiers: ClinVar variation 2657521 (VCV002657521.24), dbSNP rs2483865391, ClinGen allele CA455675584.